The following is an entry in ClinVar:

ClinVar aggregate classification (germline): Uncertain significance. Review status: criteria provided, multiple submitters, no conflicts (2 of 4 stars). 2 submissions from 2 submitters: Uncertain significance (2). Last evaluated 2023-11-18.

Conditions:
Autosomal dominant hypocalcemia 1 (HYPOC1). Also called: HYPOCALCEMIA, FAMILIAL. Identifiers: MedGen C3715128, MONDO:0011013, OMIM 601198.
Familial hypocalciuric hypercalcemia (FHH). Also called: Familial benign hypercalcemia. Identifiers: Orphanet 405, MedGen C1809471, MONDO:0018458.
Nephrolithiasis/nephrocalcinosis. Identifiers: MedGen CN580796.

Allele frequency attached by ClinVar (database versions not stated): gnomAD exomes below 0.00001; gnomAD 0.00001.
gnomAD v4.1: 5 of 1,614,040 alleles (0.00031%); highest among the groups gnomAD compares: Admixed American, 0.0017%; no homozygotes.

Submissions (2):

Labcorp Genetics (formerly Invitae), Labcorp
Classification: Uncertain significance for Familial hypocalciuric hypercalcemia; Autosomal dominant hypocalcemia 1. Last evaluated: 2023-11-18. Review status: criteria provided, single submitter. Criteria: Invitae Variant Classification Sherloc (09022015). Collection method: clinical testing. Allele origin: germline.
Comment: This sequence change replaces leucine, which is neutral and non-polar, with valine, which is neutral and non-polar, at codon 422 of the CASR protein (p.Leu422Val). This variant is present in population databases (no rsID available, gnomAD 0.003%). This variant has not been reported in the literature in individuals affected with CASR-related conditions. ClinVar contains an entry for this variant (Variation ID: 1763944). An algorithm developed to predict the effect of missense changes on protein structure and function (PolyPhen-2) suggests that this variant is likely to be tolerated. In summary, the available evidence is currently insufficient to determine the role of this variant in disease. Therefore, it has been classified as a Variant of Uncertain Significance.

Ambry Genetics
Classification: Uncertain significance for Nephrolithiasis/nephrocalcinosis. Last evaluated: 2022-06-20. Review status: criteria provided, single submitter. Criteria: Ambry Variant Classification Scheme 2023. Collection method: clinical testing. Allele origin: germline.
Comment: The p.L422V variant (also known as c.1264T>G), located in coding exon 3 of the CASR gene, results from a T to G substitution at nucleotide position 1264. The leucine at codon 422 is replaced by valine, an amino acid with highly similar properties. This amino acid position is conserved. In addition, this alteration is predicted to be tolerated by in silico analysis. Since supporting evidence is limited at this time, the clinical significance of this alteration remains unclear.

NM_000388.4(CASR):c.1264T>G (p.Leu422Val)

Gene: CASR (calcium sensing receptor; plus strand). Cytogenetic location: 3q21.1.
Variant type: single nucleotide variant.
Coding change: c.1264T>G on transcript NM_000388.4 (MANE Select); coding-DNA position 1264, T replaced by G.
Protein change: p.Leu422Val; replaces leucine 422 with valine.
Molecular consequence: missense variant.
Genome position (GRCh38, 1-based): chr3:122,262,299, T>G. VCF-style: chr3-122262299-T-G. GRCh37 (hg19) VCF-style: chr3-121981146-T-G.
Other names: c.1264T>G, p.Leu422Val (NM_001178065.2); short protein forms L422V.
Identifiers: ClinVar variation 1763944 (VCV001763944.9), dbSNP rs1409659640, ClinGen allele CA354152950.